The following is an entry in ClinVar:

ClinVar aggregate classification (germline): Likely benign (1 of 4 stars; one submission).

gnomAD v4.1: 176 of 1,614,162 alleles (0.011%); highest among the groups gnomAD compares: East Asian, 0.2%; no homozygotes.

Submission:

CeGaT Center for Human Genetics Tuebingen
Classification: Likely benign. Last evaluated: 2026-07-01. Review status: criteria provided, single submitter. Criteria: CeGaT Center For Human Genetics Tuebingen Variant Classification Criteria Version 2. Collection method: clinical testing. Allele origin: germline. Affected: yes. Observed: 1 variant allele.
Comment: CEACAM6: BP4, BP7

NM_002483.7(CEACAM6):c.333C>T (p.Asn111=)

Gene: CEACAM6 (CEA cell adhesion molecule 6; plus strand). Cytogenetic location: 19q13.2.
Variant type: single nucleotide variant.
Coding change: c.333C>T on transcript NM_002483.7 (MANE Select); coding-DNA position 333, C replaced by T.
Protein change: p.Asn111=; no amino-acid change (asparagine 111 retained).
Molecular consequence: synonymous variant.
Genome position (GRCh38, 1-based): chr19:41,756,868, C>T. VCF-style: chr19-41756868-C-T. GRCh37 (hg19) VCF-style: chr19-42260776-C-T.
Identifiers: ClinVar variation 5039452 (VCV005039452.1).